The following is an entry in ClinVar:

ClinVar aggregate classification (germline): Likely pathogenic (1 of 4 stars; one submission).

Conditions:
Congenital contractural arachnodactyly (CCA). Also called: Beals-Hecht syndrome; Arthrogryposis, distal, type 9; BEALS SYNDROME. Identifiers: Orphanet 115, MedGen C0220668, MONDO:0007363, OMIM 121050.

Submission:

Labcorp Genetics (formerly Invitae), Labcorp
Classification: Likely pathogenic for Congenital contractural arachnodactyly. Last evaluated: 2025-07-16. Review status: criteria provided, single submitter. Criteria: Invitae Variant Classification Sherloc (09022015). Collection method: clinical testing. Allele origin: germline.
Comment: This sequence change replaces cysteine, which is neutral and slightly polar, with phenylalanine, which is neutral and non-polar, at codon 1268 of the FBN2 protein (p.Cys1268Phe). This variant is not present in population databases (gnomAD no frequency). This missense change has been observed in individual(s) with clinical features of FBN2-related conditions (internal data). ClinVar contains an entry for this variant (Variation ID: 1003175). Invitae Evidence Modeling of protein sequence and biophysical properties (such as structural, functional, and spatial information, amino acid conservation, physicochemical variation, residue mobility, and thermodynamic stability) indicates that this missense variant is expected to disrupt FBN2 protein function with a positive predictive value of 80%. This variant affects a cysteine residue located within an epidermal growth factor (EGF)–like domain of the FBN2 protein. Cysteine residues in these domains are involved in the formation of disulfide bridges critical for protein structure and stability (PMID: 3495735, 4750422, 16677079). In addition, missense substitutions within the FBN2 EGF-like domains affecting cysteine residues are overrepresented in patients with congenital contractural arachnodactyly (PMID: 18767143). In summary, the currently available evidence indicates that the variant is pathogenic, but additional data are needed to prove that conclusively. Therefore, this variant has been classified as Likely Pathogenic.

Literature cited by the submitters: PubMed 3495735; PubMed 4750422; PubMed 16677079; PubMed 18767143.

NM_001999.4(FBN2):c.3803G>T (p.Cys1268Phe)

Gene: FBN2 (fibrillin 2; minus strand). Cytogenetic location: 5q23.3.
Variant type: single nucleotide variant.
Coding change: c.3803G>T on transcript NM_001999.4 (MANE Select); coding-DNA position 3803, G replaced by T.
Protein change: p.Cys1268Phe; replaces cysteine 1268 with phenylalanine.
Molecular consequence: missense variant.
Genome position (GRCh38, 1-based): chr5:128,335,499, C>A on the plus strand (G>T on the coding strand, the complement: FBN2 is on the minus strand). VCF-style: chr5-128335499-C-A. GRCh37 (hg19) VCF-style: chr5-127671191-C-A.
Other names: short protein forms C1268F.
Identifiers: ClinVar variation 1003175 (VCV001003175.7), dbSNP rs1750811749, ClinGen allele CA360757986.